The following is an entry in ClinVar:

ClinVar aggregate classification (germline): Uncertain significance (1 of 4 stars; one submission).

Conditions:
Ehlers-Danlos syndrome, classic type, 1 (EDSCL1). Also called: EHLERS-DANLOS SYNDROME, GRAVIS TYPE; EHLERS-DANLOS SYNDROME, SEVERE CLASSIC TYPE; Ehlers-Danlos syndrome, type 1; Ehlers-Danlos Syndrome, Classic Type, COL5A1-Related; EDS I. Identifiers: MedGen C0268335, MONDO:0019567, OMIM 130000.
Osteogenesis imperfecta type I (OI1). Also called: OI, TYPE I; OSTEOGENESIS IMPERFECTA TARDA; OSTEOGENESIS IMPERFECTA WITH BLUE SCLERAE; Osteogenesis imperfecta type 1; Lobstein's Disease; Lobstein disease. Identifiers: Orphanet 216796, Orphanet 666, MedGen C0023931, MONDO:0008146, OMIM 166200. Disease mechanism: loss of function.

gnomAD v4.1: 2 of 1,614,156 alleles (0.00012%); highest among the groups gnomAD compares: Admixed American, 0.0017%; no homozygotes.

Submission:

Labcorp Genetics (formerly Invitae), Labcorp
Classification: Uncertain significance for Osteogenesis imperfecta type I; Ehlers-Danlos syndrome, classic type, 1. Last evaluated: 2026-01-16. Review status: criteria provided, single submitter. Criteria: Invitae Variant Classification Sherloc (09022015). Collection method: clinical testing. Allele origin: germline.
Comment: This sequence change affects codon 537 of the COL1A2 mRNA. It is a 'silent' change, meaning that it does not change the encoded amino acid sequence of the COL1A2 protein. This variant also falls at the last nucleotide of exon 27, which is part of the consensus splice site for this exon. This variant is present in population databases (no rsID available, gnomAD 0.003%). This variant has not been reported in the literature in individuals affected with COL1A2-related conditions. Variants that disrupt the consensus splice site are a relatively common cause of aberrant splicing (PMID: 17576681, 9536098). Algorithms developed to predict the effect of sequence changes on RNA splicing suggest that this variant is not likely to affect RNA splicing. In summary, the available evidence is currently insufficient to determine the role of this variant in disease. Therefore, it has been classified as a Variant of Uncertain Significance.

Literature cited by the submitters: PubMed 17576681; PubMed 9536098.

NM_000089.4(COL1A2):c.1611G>A (p.Gln537=)

Gene: COL1A2 (collagen type I alpha 2 chain; plus strand). Cytogenetic location: 7q21.3.
Variant type: single nucleotide variant.
Coding change: c.1611G>A on transcript NM_000089.4 (MANE Select); coding-DNA position 1611, G replaced by A.
Protein change: p.Gln537=; no amino-acid change (glutamine 537 retained).
Molecular consequence: synonymous variant.
Genome position (GRCh38, 1-based): chr7:94,413,743, G>A. VCF-style: chr7-94413743-G-A. GRCh37 (hg19) VCF-style: chr7-94043055-G-A.
Identifiers: ClinVar variation 4789071 (VCV004789071.1).
Genomic context (GRCh38, chr7:94,413,743, plus strand): 5'-TTTTTAGGGTGCTCCAGGTCCTGATGGAAACAATGGTGCTCAGGGACCTCCTGGACCACA[G>A]GTGAGTATTTCTCCCACTCTTGTGCTCTTCTGCACTAGAATGTATATAGTCCTCAAACTG-3'
Protein context (NP_000080.2, residues 527-547): NNGAQGPPGP[Gln537=]GVQGGKGEQG